The following is an entry in ClinVar:

NM_001378122.1(SH3D19):c.2081T>C (p.Met694Thr)

Gene: SH3D19 (SH3 domain containing 19; minus strand). Cytogenetic location: 4q31.3.
Variant type: single nucleotide variant.
Coding change: c.2081T>C on transcript NM_001378122.1 (MANE Select); coding-DNA position 2081, T replaced by C.
Protein change: p.Met694Thr; replaces methionine 694 with threonine.
Molecular consequence: missense variant.
Genome position (GRCh38, 1-based): chr4:151,147,923, A>G on the plus strand (T>C on the coding strand, the complement: SH3D19 is on the minus strand). VCF-style: chr4-151147923-A-G. GRCh37 (hg19) VCF-style: chr4-152069075-A-G.
Other names: c.1241T>C, p.Met414Thr (NM_001009555.4, NM_001128923.2, NM_001243349.2 and 6 more transcripts); c.1133T>C, p.Met378Thr (NM_001128924.2); c.2081T>C, p.Met694Thr (NM_001378121.1); c.1904T>C, p.Met635Thr (NM_001378123.1, NM_001378124.1); short protein forms M378T, M414T, M635T, M694T.
Identifiers: ClinVar variation 3037228 (VCV003037228.2), dbSNP rs72965663, ClinGen allele CA3104659.
Genomic context (GRCh38, chr4:151,147,923, plus strand): 5'-CGTATATATACTTTAGGGCACACCTCTTGACCACAAACATTTTTAAAAGCTAAATTTACC[A>G]TGTATTTACTGTAGAGAGGGTGTCCTGGTTTGGGACGAGGGGGTAGCACCGGATCTTGAT-3'
Protein context (NP_001365051.1, residues 684-704): KPGHPLYSKY[Met694Thr]RGDVLVMLKQ

ClinVar aggregate classification (germline): Benign (0 of 4 stars; one submission).

Conditions:
SH3D19-related disorder. Also called: SH3D19-related condition.

Allele frequency attached by ClinVar (database versions not stated): gnomAD exomes 0.00616; ExAC 0.01865; gnomAD 0.05711; 1000 Genomes Project 0.05731; 1000 Genomes Project 30x 0.05949; ESP Exome Variant Server 0.06261; TOPMed 0.06469.
gnomAD v4.1: 18,109 of 1,594,402 alleles (1.1%); highest among the groups gnomAD compares: African/African-American, 19%; 1,460 homozygotes.

Submission:

PreventionGenetics, part of Exact Sciences
Classification: Benign for SH3D19-related condition. Last evaluated: 2019-03-04. Review status: no assertion criteria provided. Collection method: clinical testing. Allele origin: germline.
Comment: This variant is classified as benign based on ACMG/AMP sequence variant interpretation guidelines (Richards et al. 2015 PMID: 25741868, with internal and published modifications).